The following is an entry in ClinVar:

ClinVar aggregate classification (germline): Pathogenic (1 of 4 stars; one submission).

Conditions:
Hereditary breast ovarian cancer syndrome. Also called: Hereditary breast and ovarian cancer syndrome; Hereditary breast and ovarian cancer; Hereditary breast and ovarian cancer syndrome (HBOC); Breast and ovarian cancer; Hereditary breast and/or ovarian cancer syndrome; BRCA1- and BRCA2-Associated Hereditary Breast and Ovarian Cancer. Identifiers: Orphanet 145, MedGen C0677776, MeSH D061325, MONDO:0003582. Disease mechanism: loss of function.

Submission:

Laboratory for Molecular Medicine, Mass General Brigham Personalized Medicine
Classification: Pathogenic for Hereditary breast ovarian cancer syndrome. Last evaluated: 2018-04-02. Review status: criteria provided, single submitter. Criteria: ACMG Guidelines, 2015. Collection method: clinical testing. Allele origin: germline. Inheritance: Autosomal dominant inheritance.
Comment: The p.Pro1519fs variant in BRCA2 has not been previously reported in individuals with BRCA2-associated cancer and was absent from large population studies. This variant is predicted to cause a frameshift, which alters the protein’s amino acid sequence beginning at position 1519 and leads to a premature termination codon 9 amino acids downstream. This alteration is then predicted to lead to a truncated or absent protein. Heterozygous loss of function of the BRCA2 gene is an established disease mechanism in hereditary breast and ovarian cancer syndrome (HBOC). In summary, this variant meets criteria to be classified as pathogenic for HBOC in an autosomal dominant manner based upon absence from controls and its predicted impact on the protein. ACMG/AMP Criteria applied: PVS1; PM2.

NM_000059.4(BRCA2):c.4555_4556del (p.Pro1519fs)

Gene: BRCA2 (BRCA2 DNA repair associated; plus strand). Cytogenetic location: 13q13.1.
Variant type: Deletion.
Coding change: c.4555_4556del on transcript NM_000059.4 (MANE Select); coding-DNA positions 4555 to 4556, 2 bases deleted (CC; older notation c.4555_4556delCC).
Protein change: p.Pro1519fs; shifts the reading frame from proline 1519.
Molecular consequence: frameshift variant. On other transcripts: non-coding transcript variant (1), intron variant (2).
Genome position (GRCh38, 1-based): chr13:32,338,910-32,338,911, CC deleted. VCF-style (leftmost placement, unchanged base first): chr13-32338909-ACC-A. GRCh37 (hg19) VCF-style: chr13-32913046-ACC-A.
Other names: c.4555_4556del, p.Pro1519fs (NM_001406719.1, NM_001406720.1); c.1909+5523_1909+5524del (NM_001406721.1); c.425-5648_425-5647del (NM_001406722.1); short protein forms P1519fs.
Identifiers: ClinVar variation 3076065 (VCV003076065.1), dbSNP rs2548528675, ClinGen allele CA913188583.